The following is an entry in ClinVar:

ClinVar aggregate classification (germline): Pathogenic (1 of 4 stars; one submission).

Conditions:
Arrhythmogenic right ventricular dysplasia 9 (ARVD9). Also called: Arrhythmogenic Right Ventricular Dysplasia/Cardiomyopathy 9; ARRHYTHMOGENIC RIGHT VENTRICULAR DYSPLASIA, FAMILIAL, 9. Identifiers: MedGen C1836906, MONDO:0012180, OMIM 609040.

Submission:

Labcorp Genetics (formerly Invitae), Labcorp
Classification: Pathogenic for Arrhythmogenic right ventricular dysplasia 9. Last evaluated: 2026-01-27. Review status: criteria provided, single submitter. Criteria: Invitae Variant Classification Sherloc (09022015). Collection method: clinical testing. Allele origin: germline.
Comment: This sequence change creates a premature translational stop signal (p.His612Leufs*25) in the PKP2 gene. It is expected to result in an absent or disrupted protein product. Loss-of-function variants in PKP2 are known to be pathogenic (PMID: 15489853, 17041889, 23911551). This variant is not present in population databases (gnomAD no frequency). This variant has not been reported in the literature in individuals affected with PKP2-related conditions. For these reasons, this variant has been classified as Pathogenic.

Literature cited by the submitters: PubMed 15489853; PubMed 17041889; PubMed 23911551.

NM_001005242.3(PKP2):c.1701_1711del (p.His568fs)

Gene: PKP2 (plakophilin 2; minus strand). Cytogenetic location: 12p11.21.
Variant type: Deletion.
Coding change: c.1701_1711del on transcript NM_001005242.3 (MANE Select); coding-DNA positions 1701 to 1711, 11 bases deleted (TCATAACCTCT).
Protein change: p.His568fs; shifts the reading frame from histidine 568.
Molecular consequence: frameshift variant. On other transcripts: intron variant (1).
Genome position (GRCh38, 1-based): chr12:32,822,595-32,822,605, AGAGGTTATGA deleted on the plus strand (TCATAACCTCT on the coding strand, the reverse complement: PKP2 is on the minus strand); deleting any 11 consecutive bases within chr12:32,822,595-32,822,608 gives the same sequence; the c. name uses the placement nearest the transcript's 3' end. VCF-style (leftmost placement, unchanged base first): chr12-32822594-GAGAGGTTATGA-G. GRCh37 (hg19) VCF-style: chr12-32975528-GAGAGGTTATGA-G.
Other names: c.1701_1711del, p.His568fs (NM_001407155.1, NM_001407161.1); c.1833_1843del, p.His612fs (NM_001407157.1, NM_004572.4); c.1374_1384del, p.His459fs (NM_001407158.1, NM_001407159.1, NM_001407160.1 and 1 more transcripts); c.1675-1076_1675-1066del (NM_001407156.1); short protein forms H459fs, H568fs, H612fs.
Identifiers: ClinVar variation 4707189 (VCV004707189.1).